The following is an entry in ClinVar:

NC_000019.10:g.35096731_35106311del

Gene: HPN-AS1 (HPN antisense RNA 1; minus strand). Cytogenetic location: 19q13.11-13.12.
Variant type: Deletion.
Genome position: GRCh38: chr19:35,096,731-35,106,311. GRCh37 (hg19): chr19:35,587,635-35,597,215.
Identifiers: ClinVar variation 157440 (VCV000157440.2), ClinGen allele CA212478.

ClinVar aggregate classification (germline): not provided (0 of 4 stars; one submission).

Conditions:
Gestational diabetes mellitus uncontrolled. Identifiers: MedGen C3532257.

Submission:

Institute of Molecular and Cell Biology, University of Tartu
No classification provided. Condition: Gestational diabetes mellitus uncontrolled. Review status: no classification provided. Collection method: case-control. Allele origin: unknown. Affected: yes. Study: Kasak2014.
Comment: The study aimed to determine the contribution of copy number variants in the genetic etiology of normal and complicated pregnancies. The samples represented (i) maternal blood DNA drawn from healthy pregnant women during 1st or 2nd trimester and (ii) maternal and paternal blood DNA drawn at term pregnancy cases representing normal and complicated gestations (severe preeclampsia, PE; gestational diabetes, GD; small-for-gestational age newborn, SGA; large-for-gestational age newborn, LGA). We performed CNV calling based on genome-wide genotyping dataset (Illumina HumanOmniExpress-24-v1 BeadChip) by applying three algorithms, QuantiSNP, GADA (Genome Alteration Detection Algorithm) and CNstream in parallel. The acquired CNV calls were merged with HD-CNV (Hotspot Detector for Copy Number Variants) program and only the CNVs predicted by at least two programs, were considered in subsequent analysis.

Literature cited by the submitters: PubMed 25666259.